The following is an entry in ClinVar:

NM_000138.5(FBN1):c.3371G>C (p.Cys1124Ser)

Gene: FBN1 (fibrillin 1; minus strand). Cytogenetic location: 15q21.1.
Variant type: single nucleotide variant.
Coding change: c.3371G>C on transcript NM_000138.5 (MANE Select); coding-DNA position 3371, G replaced by C.
Protein change: p.Cys1124Ser; replaces cysteine 1124 with serine.
Molecular consequence: missense variant.
Genome position (GRCh38, 1-based): chr15:48,487,404, C>G on the plus strand (G>C on the coding strand, the complement: FBN1 is on the minus strand). VCF-style: chr15-48487404-C-G. GRCh37 (hg19) VCF-style: chr15-48779601-C-G.
Other names: short protein forms C1124S.
Identifiers: ClinVar variation 1466451 (VCV001466451.8), dbSNP rs2141293726, ClinGen allele CA392326630.

ClinVar aggregate classification (germline): Likely pathogenic (1 of 4 stars; one submission).

Conditions:
Marfan syndrome (MFS). Also called: MARFAN SYNDROME, TYPE I; Marfan syndrome type 1; Marfan's syndrome; Marfan syndrome, classic; FBN1-Related Marfan Syndrome. Identifiers: Orphanet 284963, Orphanet 558, MedGen C0024796, MONDO:0007947, OMIM 154700.
Familial thoracic aortic aneurysm and aortic dissection (TAAD). Also called: Thoracic aortic aneurysms and dissections. Identifiers: Orphanet 91387, MedGen C4707243, MONDO:0019625.

Submission:

Labcorp Genetics (formerly Invitae), Labcorp
Classification: Likely pathogenic for Marfan syndrome; Familial thoracic aortic aneurysm and aortic dissection. Last evaluated: 2021-01-13. Review status: criteria provided, single submitter. Criteria: Invitae Variant Classification Sherloc (09022015). Collection method: clinical testing. Allele origin: germline.
Comment: This sequence change replaces cysteine with serine at codon 1124 of the FBN1 protein (p.Cys1124Ser). The cysteine residue is highly conserved and there is a moderate physicochemical difference between cysteine and serine. In summary, the currently available evidence indicates that the variant is pathogenic, but additional data are needed to prove that conclusively. Therefore, this variant has been classified as Likely Pathogenic. This variant affects a cysteine residue in the EGF-like, TGFBP or hybrid motif domains of FBN1. Cysteine residues are believed to be involved in intramolecular disulfide bridges and have been shown to be important for FBN1 protein structure (PMID: 16905551, 19349279). In addition, missense substitutions affecting cysteine residues within these domains are significantly overrepresented among patients with Marfan syndrome (PMID: 16571647, 17701892). Advanced modeling of protein sequence and biophysical properties (such as structural, functional, and spatial information, amino acid conservation, physicochemical variation, residue mobility, and thermodynamic stability) performed at Invitae indicates that this missense variant is expected to disrupt FBN1 protein function. This variant has not been reported in the literature in individuals with FBN1-related conditions. This variant is not present in population databases (ExAC no frequency).

Literature cited by the submitters: PubMed 16905551; PubMed 19349279; PubMed 16571647; PubMed 17701892.